The following is an entry in ClinVar:

ClinVar aggregate classification (germline): Uncertain significance. Review status: criteria provided, multiple submitters, no conflicts (2 of 4 stars). 3 submissions from 3 submitters: Uncertain significance (3). Last evaluated 2026-06-18.

Conditions:
MTMR2-related disorder. Also called: MTMR2-related condition.
Inborn genetic diseases. Identifiers: MedGen C0950123, MeSH D030342.
Charcot-Marie-Tooth disease type 4. Also called: Charcot-Marie-Tooth disease, type IV; Charcot-Marie-Tooth, Type 4. Identifiers: Orphanet 64749, MedGen C4082197, MONDO:0018995.

Allele frequency attached by ClinVar (database versions not stated): TOPMed 0.00002; gnomAD exomes below 0.00001 and 0.00001; ExAC 0.00001.
gnomAD v4.1: 3 of 1,614,132 alleles (0.00019%); highest among the groups gnomAD compares: Admixed American, 0.0017%; no homozygotes.

Submissions (3):

PreventionGenetics, part of Exact Sciences
Classification: Uncertain significance for MTMR2-related condition. Last evaluated: 2026-06-18. Review status: criteria provided, single submitter. Criteria: ACMG Guidelines, 2015. Collection method: clinical testing. Allele origin: germline.
Comment: The MTMR2 c.829A>C variant is predicted to result in the amino acid substitution p.Ser277Arg. To our knowledge, this variant has not been reported in the literature. This variant is reported in 0.0029% of alleles in individuals of Latino descent in gnomAD. At this time, the clinical significance of this variant is uncertain due to the absence of conclusive functional and genetic evidence.

Ambry Genetics
Classification: Uncertain significance for Inborn genetic diseases. Last evaluated: 2025-04-03. Review status: criteria provided, single submitter. Criteria: Ambry Variant Classification Scheme 2023. Collection method: clinical testing. Allele origin: germline.

Labcorp Genetics (formerly Invitae), Labcorp
Classification: Uncertain significance for Charcot-Marie-Tooth disease type 4. Last evaluated: 2021-08-28. Review status: criteria provided, single submitter. Criteria: Invitae Variant Classification Sherloc (09022015). Collection method: clinical testing. Allele origin: germline.
Comment: This sequence change replaces serine with arginine at codon 277 of the MTMR2 protein (p.Ser277Arg). The serine residue is moderately conserved and there is a moderate physicochemical difference between serine and arginine. This variant is present in population databases (rs779257949, ExAC 0.001%). This variant has not been reported in the literature in individuals affected with MTMR2-related conditions. Algorithms developed to predict the effect of missense changes on protein structure and function are either unavailable or do not agree on the potential impact of this missense change (SIFT: "Deleterious"; PolyPhen-2: "Possibly Damaging"; Align-GVGD: "Class C15"). In summary, the available evidence is currently insufficient to determine the role of this variant in disease. Therefore, it has been classified as a Variant of Uncertain Significance.

NM_016156.6(MTMR2):c.829A>C (p.Ser277Arg)

Gene: MTMR2 (myotubularin related protein 2; minus strand). Cytogenetic location: 11q21.
Variant type: single nucleotide variant.
Coding change: c.829A>C on transcript NM_016156.6 (MANE Select); coding-DNA position 829, A replaced by C.
Protein change: p.Ser277Arg; replaces serine 277 with arginine.
Molecular consequence: missense variant.
Genome position (GRCh38, 1-based): chr11:95,849,838, T>G on the plus strand (A>C on the coding strand, the complement: MTMR2 is on the minus strand). VCF-style: chr11-95849838-T-G. GRCh37 (hg19) VCF-style: chr11-95583002-T-G.
Other names: c.613A>C, p.Ser205Arg (NM_001243571.2, NM_201278.3, NM_201281.3); short protein forms S277R, S205R.
Identifiers: ClinVar variation 661479 (VCV000661479.8), dbSNP rs779257949, ClinGen allele CA6240181.